The following is an entry in ClinVar:

NM_005732.4(RAD50):c.1366G>A (p.Glu456Lys)

Gene: RAD50 (RAD50 double strand break repair protein; plus strand). Cytogenetic location: 5q31.1.
Variant type: single nucleotide variant.
Coding change: c.1366G>A on transcript NM_005732.4 (MANE Select); coding-DNA position 1366, G replaced by A.
Protein change: p.Glu456Lys; replaces glutamic acid 456 with lysine.
Molecular consequence: missense variant.
Genome position (GRCh38, 1-based): chr5:132,589,751, G>A. VCF-style: chr5-132589751-G-A. GRCh37 (hg19) VCF-style: chr5-131925443-G-A.
Other names: short protein forms E456K.
Identifiers: ClinVar variation 2820917 (VCV002820917.3), dbSNP rs876659132, ClinGen allele CA360944356.

ClinVar aggregate classification (germline): Uncertain significance (1 of 4 stars; one submission).

Conditions:
Hereditary cancer-predisposing syndrome. Also called: Neoplastic Syndromes, Hereditary; Tumor predisposition; Hereditary Cancer Syndrome; Hereditary neoplastic syndrome. Identifiers: Orphanet 140162, MedGen C0027672, MeSH D009386, MONDO:0015356.

Submission:

Labcorp Genetics (formerly Invitae), Labcorp
Classification: Uncertain significance for Hereditary cancer-predisposing syndrome. Last evaluated: 2022-12-15. Review status: criteria provided, single submitter. Criteria: Invitae Variant Classification Sherloc (09022015). Collection method: clinical testing. Allele origin: germline.
Comment: This sequence change replaces glutamic acid, which is acidic and polar, with lysine, which is basic and polar, at codon 456 of the RAD50 protein (p.Glu456Lys). This variant is not present in population databases (gnomAD no frequency). This variant has not been reported in the literature in individuals affected with RAD50-related conditions. Advanced modeling of protein sequence and biophysical properties (such as structural, functional, and spatial information, amino acid conservation, physicochemical variation, residue mobility, and thermodynamic stability) performed at Invitae indicates that this missense variant is not expected to disrupt RAD50 protein function. In summary, the available evidence is currently insufficient to determine the role of this variant in disease. Therefore, it has been classified as a Variant of Uncertain Significance.